The following is an entry in ClinVar:

ClinVar aggregate classification (germline): Uncertain significance (1 of 4 stars; one submission).

Conditions:
Familial temporal lobe epilepsy 7. Identifiers: Orphanet 101046, MedGen C4225327, MONDO:0014639, OMIM 616436.
Norman-Roberts syndrome (LIS2). Also called: Lissencephaly 2 (Norman-Roberts type). Identifiers: Orphanet 89844, MedGen C0796089, MONDO:0009760, OMIM 257320.

Submission:

Labcorp Genetics (formerly Invitae), Labcorp
Classification: Uncertain significance for Familial temporal lobe epilepsy 7; Norman-Roberts syndrome. Last evaluated: 2023-02-16. Review status: criteria provided, single submitter. Criteria: Invitae Variant Classification Sherloc (09022015). Collection method: clinical testing. Allele origin: germline.
Comment: This sequence change replaces tryptophan, which is neutral and slightly polar, with leucine, which is neutral and non-polar, at codon 3220 of the RELN protein (p.Trp3220Leu). This variant is not present in population databases (gnomAD no frequency). This variant has not been reported in the literature in individuals affected with RELN-related conditions. Advanced modeling of protein sequence and biophysical properties (such as structural, functional, and spatial information, amino acid conservation, physicochemical variation, residue mobility, and thermodynamic stability) performed at Invitae indicates that this missense variant is not expected to disrupt RELN protein function. In summary, the available evidence is currently insufficient to determine the role of this variant in disease. Therefore, it has been classified as a Variant of Uncertain Significance.

NM_005045.4(RELN):c.9659G>T (p.Trp3220Leu)

Genes: RELN (reelin; minus strand), SLC26A5-AS1 (SLC26A5 antisense RNA 1; plus strand), LOC126860130 (BRD4-independent group 4 enhancer GRCh37_chr7:103130126-103131325; plus strand). Cytogenetic location: 7q22.1.
Variant type: single nucleotide variant.
Coding change: c.9659G>T on transcript NM_005045.4 (MANE Select); coding-DNA position 9659, G replaced by T.
Protein change: p.Trp3220Leu; replaces tryptophan 3220 with leucine.
Molecular consequence: missense variant.
Genome position (GRCh38, 1-based): chr7:103,489,846, C>A on the plus strand (G>T on the coding strand, the complement: RELN is on the minus strand). VCF-style: chr7-103489846-C-A. GRCh37 (hg19) VCF-style: chr7-103130293-C-A.
Other names: c.9659G>T, p.Trp3220Leu (NM_173054.3); short protein forms W3220L.
Identifiers: ClinVar variation 2943990 (VCV002943990.3), dbSNP rs2485712948, ClinGen allele CA368743973.
Genomic context (GRCh38, chr7:103,489,846, plus strand): 5'-TATCCGTGCCCGCTGCAGAGCTTGGGGCAAGCCTCTCCAATGTACACGTGGTCAATTGCC[C>A]AGCTTTGCTTCTCAGTTTCTTCTCCCTTCTGGATCCAGCGGAACTGTGTTGCACTGAAAG-3'
Protein context (NP_005036.2, residues 3210-3230): QKGEETEKQS[Trp3220Leu]AIDHVYIGEA